The following is an entry in ClinVar:

NM_024422.6(DSC2):c.2184T>C (p.Ile728=)

Gene: DSC2 (desmocollin 2; minus strand). Cytogenetic location: 18q12.1.
Variant type: single nucleotide variant.
Coding change: c.2184T>C on transcript NM_024422.6 (MANE Select); coding-DNA position 2184, T replaced by C.
Protein change: p.Ile728=; no amino-acid change (isoleucine 728 retained).
Molecular consequence: synonymous variant.
Genome position (GRCh38, 1-based): chr18:31,070,792, A>G on the plus strand (T>C on the coding strand, the complement: DSC2 is on the minus strand). VCF-style: chr18-31070792-A-G. GRCh37 (hg19) VCF-style: chr18-28650758-A-G.
Other names: c.1755T>C, p.Ile585= (NM_001406506.1, NM_001406507.1); c.2184T>C, p.Ile728= (NM_004949.5).
Identifiers: ClinVar variation 3386513 (VCV003386513.1).

ClinVar aggregate classification (germline): Likely benign (1 of 4 stars; one submission).

Conditions:
Familial isolated arrhythmogenic right ventricular dysplasia. Identifiers: Orphanet 217656, MedGen C4274968, MONDO:0016342.

Submission:

All of Us Research Program, National Institutes of Health
Classification: Likely benign for Familial isolated arrhythmogenic right ventricular dysplasia. Last evaluated: 2024-07-20. Review status: criteria provided, single submitter. Criteria: ACMG Guidelines, 2015. Collection method: clinical testing. Allele origin: germline. Inheritance: Autosomal dominant inheritance. Observed: 1 variant allele, 1 heterozygote.
Comment: This study involves interpretation of variants in research participants for the purpose of population health screening. Participant phenotype was not available at the time of variant classification. Additional details can be found in publication PMID: 35346344, PMCID: PMC8962531